The following is an entry in ClinVar:

ClinVar aggregate classification (germline): Uncertain significance. Review status: criteria provided, multiple submitters, no conflicts (2 of 4 stars). 2 submissions from 2 submitters: Uncertain significance (2). Last evaluated 2022-04-01.

Conditions:
Developmental and epileptic encephalopathy, 42 (DEE42A). Also called: DEVELOPMENTAL AND EPILEPTIC ENCEPHALOPATHY 42A; EPILEPTIC ENCEPHALOPATHY, EARLY INFANTILE, 42A; Epileptic encephalopathy, early infantile, 42. Identifiers: MedGen C4310716, MONDO:0014917, OMIM 617106.
Episodic ataxia type 2 (EA2). Also called: ACETAZOLAMIDE-RESPONSIVE HEREDITARY PAROXYSMAL CEREBELLAR ATAXIA; CEREBELLAR ATAXIA, PAROXYSMAL, ACETAZOLAMIDE-RESPONSIVE; CEREBELLOPATHY, HEREDITARY PAROXYSMAL; EPISODIC ATAXIA, NYSTAGMUS-ASSOCIATED; ATAXIA, EPISODIC, WITH NYSTAGMUS; ATAXIA, FAMILIAL PAROXYSMAL. Identifiers: Orphanet 97, MedGen C1720416, MONDO:0007163, OMIM 108500.

Submissions (2):

Labcorp Genetics (formerly Invitae), Labcorp
Classification: Uncertain significance for Developmental and epileptic encephalopathy, 42; Episodic ataxia type 2. Last evaluated: 2022-04-01. Review status: criteria provided, single submitter. Criteria: Invitae Variant Classification Sherloc (09022015). Collection method: clinical testing. Allele origin: germline.
Comment: In summary, the available evidence is currently insufficient to determine the role of this variant in disease. Therefore, it has been classified as a Variant of Uncertain Significance. Advanced modeling of protein sequence and biophysical properties (such as structural, functional, and spatial information, amino acid conservation, physicochemical variation, residue mobility, and thermodynamic stability) performed at Invitae indicates that this missense variant is not expected to disrupt CACNA1A protein function. This variant has not been reported in the literature in individuals affected with CACNA1A-related conditions. This variant is not present in population databases (gnomAD no frequency). This sequence change replaces phenylalanine, which is neutral and non-polar, with leucine, which is neutral and non-polar, at codon 469 of the CACNA1A protein (p.Phe469Leu).

GeneDx
Classification: Uncertain significance. Last evaluated: 2022-03-18. Review status: criteria provided, single submitter. Criteria: GeneDx Variant Classification Process June 2021. Collection method: clinical testing. Allele origin: germline. Affected: yes.
Comment: Not observed at significant frequency in large population cohorts (gnomAD); In silico analysis supports that this missense variant has a deleterious effect on protein structure/function; Has not been previously published as pathogenic or benign to our knowledge

NM_001127222.2(CACNA1A):c.1402T>C (p.Phe468Leu)

Gene: CACNA1A (calcium voltage-gated channel subunit alpha1 A; minus strand). Cytogenetic location: 19p13.13.
Variant type: single nucleotide variant.
Coding change: c.1402T>C on transcript NM_001127222.2 (MANE Select); coding-DNA position 1402, T replaced by C.
Protein change: p.Phe468Leu; replaces phenylalanine 468 with leucine.
Molecular consequence: missense variant.
Genome position (GRCh38, 1-based): chr19:13,317,265, A>G on the plus strand (T>C on the coding strand, the complement: CACNA1A is on the minus strand). VCF-style: chr19-13317265-A-G. GRCh37 (hg19) VCF-style: chr19-13428079-A-G.
Other names: c.1405T>C, p.Phe469Leu (NM_000068.4, NM_001127221.2, NM_001174080.2 and 1 more transcripts); short protein forms F468L, F469L.
Identifiers: ClinVar variation 1706161 (VCV001706161.7), dbSNP rs2512983174, ClinGen allele CA404345896.